The following is an entry in ClinVar:

NM_000057.4(BLM):c.3757T>A (p.Leu1253Ile)

Gene: BLM (BLM RecQ like helicase; plus strand). Cytogenetic location: 15q26.1.
Variant type: single nucleotide variant.
Coding change: c.3757T>A on transcript NM_000057.4 (MANE Select); coding-DNA position 3757, T replaced by A.
Protein change: p.Leu1253Ile; replaces leucine 1253 with isoleucine.
Molecular consequence: missense variant.
Genome position (GRCh38, 1-based): chr15:90,809,142, T>A. VCF-style: chr15-90809142-T-A. GRCh37 (hg19) VCF-style: chr15-91352372-T-A.
Other names: c.3757T>A, p.Leu1253Ile (NM_001287246.2); c.3364T>A, p.Leu1122Ile (NM_001287247.2); c.2632T>A, p.Leu878Ile (NM_001287248.2); short protein forms L878I, L1122I, L1253I.
Identifiers: ClinVar variation 1734608 (VCV001734608.3), dbSNP rs1249288071, ClinGen allele CA393849592.

ClinVar aggregate classification (germline): Uncertain significance (1 of 4 stars; one submission).

Conditions:
Hereditary cancer-predisposing syndrome. Also called: Neoplastic Syndromes, Hereditary; Tumor predisposition; Hereditary Cancer Syndrome; Hereditary neoplastic syndrome. Identifiers: Orphanet 140162, MedGen C0027672, MeSH D009386, MONDO:0015356.

gnomAD v4.1: 1 of 1,614,174 alleles (0.000062%); no homozygotes.

Submission:

Ambry Genetics
Classification: Uncertain significance for Hereditary cancer-predisposing syndrome. Last evaluated: 2023-07-05. Review status: criteria provided, single submitter. Criteria: Ambry Variant Classification Scheme 2023. Collection method: clinical testing. Allele origin: germline.
Comment: The p.L1253I variant (also known as c.3757T>A), located in coding exon 19 of the BLM gene, results from a T to A substitution at nucleotide position 3757. The leucine at codon 1253 is replaced by isoleucine, an amino acid with highly similar properties. This amino acid position is highly conserved in available vertebrate species. In addition, this alteration is predicted to be tolerated by in silico analysis. Since supporting evidence is limited at this time, the clinical significance of this alteration remains unclear.